The following is an entry in ClinVar:

ClinVar aggregate classification (germline): not provided (0 of 4 stars; one submission).

Conditions:
Severe myoclonic epilepsy in infancy (DRVT). Also called: SEVERE MYOCLONIC EPILEPSY OF INFANCY; DEVELOPMENTAL AND EPILEPTIC ENCEPHALOPATHY 6A; Severe Myoclonic Epilepsy in Infancy (SMEI); Dravet syndrome; Epileptic encephalopathy, early infantile, 6 (Dravet syndrome). Identifiers: Orphanet 33069, MedGen C0751122, MONDO:0100135, OMIM 607208.

Submission:

UniProtKB/Swiss-Prot
No classification provided. Condition: Severe myoclonic epilepsy in infancy. Review status: no classification provided. Collection method: not provided. Allele origin: unknown.

NM_001165963.4(SCN1A):c.235G>C (p.Asp79His)

Gene: SCN1A (sodium voltage-gated channel alpha subunit 1; minus strand). Cytogenetic location: 2q24.3.
Variant type: single nucleotide variant.
Coding change: c.235G>C on transcript NM_001165963.4 (MANE Select); coding-DNA position 235, G replaced by C.
Protein change: p.Asp79His; replaces aspartic acid 79 with histidine.
Molecular consequence: missense variant. On other transcripts: 5 prime UTR variant (1), non-coding transcript variant (1).
Genome position (GRCh38, 1-based): chr2:166,073,387, C>G on the plus strand (G>C on the coding strand, the complement: SCN1A is on the minus strand). VCF-style: chr2-166073387-C-G. GRCh37 (hg19) VCF-style: chr2-166929897-C-G.
Other names: c.235G>C, p.Asp79His (NM_001165964.3, NM_001202435.3, NM_001353948.2 and 10 more transcripts); c.-2191G>C (NM_001353961.2); short protein forms D79H.
Identifiers: ClinVar variation 68517 (VCV000068517.1), dbSNP rs121917982, ClinGen allele CA284892.